The following is an entry in ClinVar:

ClinVar aggregate classification (germline): Uncertain significance (1 of 4 stars; one submission).

Conditions:
DiGeorge syndrome. Also called: THIRD AND FOURTH PHARYNGEAL POUCH SYNDROME; Catch22. Identifiers: Orphanet 567, MedGen C0012236, MONDO:0008564, OMIM 188400.

Submission:

Labcorp Genetics (formerly Invitae), Labcorp
Classification: Uncertain significance for DiGeorge syndrome. Last evaluated: 2023-10-13. Review status: criteria provided, single submitter. Criteria: Invitae Variant Classification Sherloc (09022015). Collection method: clinical testing. Allele origin: germline.
Comment: This sequence change replaces proline, which is neutral and non-polar, with arginine, which is basic and polar, at codon 393 of the TBX1 protein (p.Pro393Arg). This variant is not present in population databases (gnomAD no frequency). This variant has not been reported in the literature in individuals affected with TBX1-related conditions. ClinVar contains an entry for this variant (Variation ID: 953719). An algorithm developed to predict the effect of missense changes on protein structure and function (PolyPhen-2) suggests that this variant is likely to be tolerated. In summary, the available evidence is currently insufficient to determine the role of this variant in disease. Therefore, it has been classified as a Variant of Uncertain Significance.

NM_001379200.1(TBX1):c.1205C>G (p.Pro402Arg)

Gene: TBX1 (T-box transcription factor 1; plus strand). Cytogenetic location: 22q11.21.
Variant type: single nucleotide variant.
Coding change: c.1205C>G on transcript NM_001379200.1 (MANE Select); coding-DNA position 1205, C replaced by G.
Protein change: p.Pro402Arg; replaces proline 402 with arginine.
Molecular consequence: missense variant. On other transcripts: intron variant (2).
Genome position (GRCh38, 1-based): chr22:19,766,557, C>G. VCF-style: chr22-19766557-C-G. GRCh37 (hg19) VCF-style: chr22-19754080-C-G.
Other names: c.1178C>G, p.Pro393Arg (NM_080647.1); c.1009+555C>G (NM_005992.1, NM_080646.2); short protein forms P393R, P402R.
Identifiers: ClinVar variation 953719 (VCV000953719.9), dbSNP rs1936854828, ClinGen allele CA410684514.
Genomic context (GRCh38, chr22:19,766,557, plus strand): 5'-TGCCCGGGGCCGGCGGCGCCGGCGGCTTAGTCCCGCTGCCCGGCGCGCCCGGAGGCCGGC[C>G]CAGTCCCCCGAACCCCGAGCTGCGCCTGGAGGCGCCCGGCGCATCGGAGCCGCTGCACCA-3'
Protein context (NP_001366129.1, residues 392-412): VPLPGAPGGR[Pro402Arg]SPPNPELRLE